The following is an entry in ClinVar:

ClinVar aggregate classification (germline): Likely pathogenic (1 of 4 stars; one submission).

Conditions:
Intellectual developmental disorder, autosomal dominant 50, with behavioral abnormalities. Also called: Intellectual disability, autosomal dominant 50; MENTAL RETARDATION, AUTOSOMAL DOMINANT 50. Identifiers: MedGen C4540470, MONDO:0030916, OMIM 617787.

Submission:

Genetics and Molecular Pathology, SA Pathology
Classification: Likely pathogenic for Intellectual developmental disorder, autosomal dominant 50, with behavioral abnormalities. Last evaluated: 2021-02-02. Review status: criteria provided, single submitter. Criteria: ACMG Guidelines, 2015. Collection method: clinical testing. Allele origin: germline. Inheritance: Autosomal dominant inheritance. Affected: yes.
Comment: The NAA15 c.779delA variant is classified as LIKELY PATHOGENIC (PM2, PVS1) This NAA15 c.779delA variant is located in exon 7 and is predicted to cause a shift in the reading frame at codon 260 (PVS1). This variant has not been reported in dbSNP and is absent from population databases (PM2). It has not been reported in the ClinVar or HGMD disease databases. The majority of damaging variants reported in NAA15 are nonsense or frameshift variants and have been found to occur de novo in affected individuals.

NM_057175.5(NAA15):c.779del (p.Tyr260fs)

Gene: NAA15 (N-alpha-acetyltransferase 15, NatA auxiliary subunit; plus strand). Cytogenetic location: 4q31.1.
Variant type: Deletion.
Coding change: c.779del on transcript NM_057175.5 (MANE Select); coding-DNA position 779, one base deleted (A; older notation c.779delA).
Protein change: p.Tyr260fs; shifts the reading frame from tyrosine 260.
Molecular consequence: frameshift variant.
Genome position (GRCh38, 1-based): chr4:139,349,549, A deleted. VCF-style (leftmost placement, unchanged base first): chr4-139349548-TA-T. GRCh37 (hg19) VCF-style: chr4-140270702-TA-T.
Other names: short protein forms Y260fs.
Identifiers: ClinVar variation 1698935 (VCV001698935.2), dbSNP rs2110930242, ClinGen allele CA1139655421.